The following is an entry in ClinVar:

ClinVar aggregate classification (germline): Uncertain significance. Review status: criteria provided, multiple submitters, no conflicts (2 of 4 stars). 2 submissions from 2 submitters: Uncertain significance (2). Last evaluated 2024-11-28.

Conditions:
Multiple endocrine neoplasia, type 2 (MEN2). Identifiers: Orphanet 653, MedGen C4048306, MONDO:0019003. Disease mechanism: gain of function.
Hereditary cancer-predisposing syndrome. Also called: Hereditary Cancer Syndrome; Tumor predisposition; Hereditary neoplastic syndrome; Neoplastic Syndromes, Hereditary. Identifiers: Orphanet 140162, MedGen C0027672, MeSH D009386, MONDO:0015356.

Submissions (2):

Ambry Genetics
Classification: Uncertain significance for Hereditary cancer-predisposing syndrome. Last evaluated: 2024-11-28. Review status: criteria provided, single submitter. Criteria: Ambry Variant Classification Scheme 2023. Collection method: clinical testing. Allele origin: germline.
Comment: The p.E527A variant (also known as c.1580A>C), located in coding exon 8 of the RET gene, results from an A to C substitution at nucleotide position 1580. The glutamic acid at codon 527 is replaced by alanine, an amino acid with dissimilar properties. This amino acid position is conserved. In addition, the in silico prediction for this alteration is inconclusive. Based on the available evidence, the clinical significance of this variant remains unclear.

Labcorp Genetics (formerly Invitae), Labcorp
Classification: Uncertain significance for Multiple endocrine neoplasia, type 2. Last evaluated: 2018-07-17. Review status: criteria provided, single submitter. Criteria: Invitae Variant Classification Sherloc (09022015). Collection method: clinical testing. Allele origin: germline.
Comment: Algorithms developed to predict the effect of missense changes on protein structure and function are either unavailable or do not agree on the potential impact of this missense change (SIFT: "Deleterious"; PolyPhen-2: "Benign"; Align-GVGD: "Class C15"). In summary, the available evidence is currently insufficient to determine the role of this variant in disease. Therefore, it has been classified as a Variant of Uncertain Significance. This variant has not been reported in the literature in individuals with RET-related disease. This sequence change replaces glutamic acid with alanine at codon 527 of the RET protein (p.Glu527Ala). The glutamic acid residue is moderately conserved and there is a moderate physicochemical difference between glutamic acid and alanine. This variant is not present in population databases (ExAC no frequency).

NM_020975.6(RET):c.1580A>C (p.Glu527Ala)

Gene: RET (ret proto-oncogene; plus strand). Cytogenetic location: 10q11.21.
Variant type: single nucleotide variant.
Coding change: c.1580A>C on transcript NM_020975.6 (MANE Select); coding-DNA position 1580, A replaced by C.
Protein change: p.Glu527Ala; replaces glutamic acid 527 with alanine.
Molecular consequence: missense variant.
Genome position (GRCh38, 1-based): chr10:43,112,156, A>C. VCF-style: chr10-43112156-A-C. GRCh37 (hg19) VCF-style: chr10-43607604-A-C.
Other names: c.1580A>C, p.Glu527Ala (NM_000323.2, NM_001406743.1, NM_001406744.1 and 6 more transcripts); c.818A>C, p.Glu273Ala (NM_001355216.2); c.1451A>C, p.Glu484Ala (NM_001406761.1, NM_001406762.1, NM_001406764.1 and 1 more transcripts); c.1292A>C, p.Glu431Ala (NM_001406766.1, NM_001406767.1, NM_001406770.1); c.1184A>C, p.Glu395Ala (NM_001406769.1, NM_001406772.1); c.1142A>C, p.Glu381Ala (NM_001406771.1, NM_001406773.1); c.1055A>C, p.Glu352Ala (NM_001406774.1); c.854A>C, p.Glu285Ala (NM_001406775.1, NM_001406776.1, NM_001406777.1 and 1 more transcripts); and 5 more; short protein forms E273A, E527A, E395A, E132A, E185A, E285A, E352A, E44A.
Identifiers: ClinVar variation 645447 (VCV000645447.10), dbSNP rs1588872141, ClinGen allele CA376550477.